The following is an entry in ClinVar:

NM_004638.4(PRRC2A):c.3854G>C (p.Gly1285Ala)

Gene: PRRC2A (proline rich coiled-coil 2A; plus strand). Cytogenetic location: 6p21.33.
Variant type: single nucleotide variant.
Coding change: c.3854G>C on transcript NM_004638.4 (MANE Select); coding-DNA position 3854, G replaced by C.
Protein change: p.Gly1285Ala; replaces glycine 1285 with alanine.
Molecular consequence: missense variant.
Genome position (GRCh38, 1-based): chr6:31,632,527, G>C. VCF-style: chr6-31632527-G-C. GRCh37 (hg19) VCF-style: chr6-31600304-G-C.
Other names: c.3854G>C, p.Gly1285Ala (NM_080686.3); short protein forms G1285A.
Identifiers: ClinVar variation 1229769 (VCV001229769.5), dbSNP rs2736158, ClinGen allele CA3716040.

ClinVar aggregate classification (germline): Benign. Review status: criteria provided, single submitter (1 of 4 stars). 2 submissions from 2 submitters: Benign (1). 1 of the submissions does not count toward it. Last evaluated 2020-02-18.

Conditions:
PRRC2A-related disorder. Also called: PRRC2A-related condition.

Allele frequency attached by ClinVar (database versions not stated): gnomAD exomes 0.03672 and 0.04885; ExAC 0.04909; ESP Exome Variant Server 0.06660; TOPMed 0.07362; 1000 Genomes Project 0.09325; 1000 Genomes Project 30x 0.09416.
gnomAD v4.1: 64,452 of 1,609,644 alleles (4%); highest among the groups gnomAD compares: African/African-American, 14%; 2,178 homozygotes.

Submissions (2):

GeneDx
Classification: Benign. Last evaluated: 2020-02-18. Review status: criteria provided, single submitter. Criteria: GeneDx Variant Classification Process June 2021. Collection method: clinical testing. Allele origin: germline. Affected: yes.
Comment: This variant is associated with the following publications: (PMID: 23221128)

PreventionGenetics, part of Exact Sciences
Classification: Benign for PRRC2A-related condition. Last evaluated: 2019-02-27. Review status: no assertion criteria provided. Collection method: clinical testing. Allele origin: germline. Not counted in ClinVar's aggregate classification.
Comment: This variant is classified as benign based on ACMG/AMP sequence variant interpretation guidelines (Richards et al. 2015 PMID: 25741868, with internal and published modifications).